The following is an entry in ClinVar:

NM_004187.5(KDM5C):c.3521C>T (p.Pro1174Leu)

Gene: KDM5C (lysine demethylase 5C; minus strand). Cytogenetic location: Xp11.22.
Variant type: single nucleotide variant.
Coding change: c.3521C>T on transcript NM_004187.5 (MANE Select); coding-DNA position 3521, C replaced by T.
Protein change: p.Pro1174Leu; replaces proline 1174 with leucine.
Molecular consequence: missense variant. On other transcripts: non-coding transcript variant (3).
Genome position (GRCh38, 1-based): chrX:53,194,656, G>A on the plus strand (C>T on the coding strand, the complement: KDM5C is on the minus strand). VCF-style: chrX-53194656-G-A. GRCh37 (hg19) VCF-style: chrX-53223838-G-A.
Other names: c.3320C>T, p.Pro1107Leu (NM_001146702.2); c.3518C>T, p.Pro1173Leu (NM_001282622.3, NM_001353979.2, NM_001353982.2); c.3521C>T, p.Pro1174Leu (NM_001353978.3, NM_001353981.2, NM_001353984.2); short protein forms P1107L, P1173L, P1174L.
Identifiers: ClinVar variation 3365412 (VCV003365412.1).

ClinVar aggregate classification (germline): Uncertain significance (1 of 4 stars; one submission).

Submission:

GeneDx
Classification: Uncertain significance. Last evaluated: 2023-12-13. Review status: criteria provided, single submitter. Criteria: GeneDx Variant Classification Process June 2021. Collection method: clinical testing. Allele origin: germline. Affected: yes.
Comment: Not observed at significant frequency in large population cohorts (gnomAD); In silico analysis supports that this missense variant does not alter protein structure/function; Has not been previously published as pathogenic or benign to our knowledge